The following is an entry in ClinVar:

NM_022114.4(PRDM16):c.3596G>A (p.Arg1199His)

Gene: PRDM16 (PR/SET domain 16; plus strand). Cytogenetic location: 1p36.32.
Variant type: single nucleotide variant.
Coding change: c.3596G>A on transcript NM_022114.4 (MANE Select); coding-DNA position 3596, G replaced by A.
Protein change: p.Arg1199His; replaces arginine 1199 with histidine.
Molecular consequence: missense variant.
Genome position (GRCh38, 1-based): chr1:3,432,040, G>A. VCF-style: chr1-3432040-G-A. GRCh37 (hg19) VCF-style: chr1-3348604-G-A.
Other names: c.3596G>A, p.Arg1199His (NM_199454.3); short protein forms R1199H.
Identifiers: ClinVar variation 645532 (VCV000645532.10), dbSNP rs772196588, ClinGen allele CA544920.

ClinVar aggregate classification (germline): Uncertain significance (1 of 4 stars; one submission).

Conditions:
Left ventricular noncompaction 8 (LVNC8). Identifiers: Orphanet 154, Orphanet 54260, MedGen C3809288, MONDO:0014152, OMIM 615373.

Allele frequency attached by ClinVar (database versions not stated): gnomAD 0.00001 and 0.00002; TOPMed 0.00002; ExAC 0.00004; gnomAD exomes 0.00005 and 0.00006.
gnomAD v4.1: 75 of 1,614,006 alleles (0.0046%); highest among the groups gnomAD compares: East Asian, 0.011%; no homozygotes.

Submission:

Labcorp Genetics (formerly Invitae), Labcorp
Classification: Uncertain significance for Left ventricular noncompaction 8. Last evaluated: 2025-12-14. Review status: criteria provided, single submitter. Criteria: Invitae Variant Classification Sherloc (09022015). Collection method: clinical testing. Allele origin: germline.
Comment: This sequence change replaces arginine, which is basic and polar, with histidine, which is basic and polar, at codon 1199 of the PRDM16 protein (p.Arg1199His). This variant is present in population databases (rs772196588, gnomAD 0.03%). This missense change has been observed in individual(s) with dilated cardiomyopathy (PMID: 31983221). ClinVar contains an entry for this variant (Variation ID: 645532). An algorithm developed to predict the effect of missense changes on protein structure and function (PolyPhen-2) suggests that this variant is likely to be tolerated. In summary, the available evidence is currently insufficient to determine the role of this variant in disease. Therefore, it has been classified as a Variant of Uncertain Significance.

Literature cited by the submitters: PubMed 31983221.